The following is an entry in ClinVar:

NM_172364.5(CACNA2D4):c.419C>G (p.Ala140Gly)

Gene: CACNA2D4 (calcium voltage-gated channel auxiliary subunit alpha2delta 4; minus strand). Cytogenetic location: 12p13.33.
Variant type: single nucleotide variant.
Coding change: c.419C>G on transcript NM_172364.5 (MANE Select); coding-DNA position 419, C replaced by G.
Protein change: p.Ala140Gly; replaces alanine 140 with glycine.
Molecular consequence: missense variant.
Genome position (GRCh38, 1-based): chr12:1,913,030, G>C on the plus strand (C>G on the coding strand, the complement: CACNA2D4 is on the minus strand). VCF-style: chr12-1913030-G-C. GRCh37 (hg19) VCF-style: chr12-2022196-G-C.
Other names: short protein forms A140G.
Identifiers: ClinVar variation 882888 (VCV000882888.14), dbSNP rs202054008, ClinGen allele CA6387552.

ClinVar aggregate classification (germline): Benign. Review status: criteria provided, multiple submitters, no conflicts (2 of 4 stars). 3 submissions from 3 submitters: Benign (2). 1 of the submissions does not count toward it. Last evaluated 2026-01-11.

Conditions:
CACNA2D4-related disorder. Also called: CACNA2D4-related condition.
Retinal cone dystrophy 4 (RCD4). Identifiers: Orphanet 1872, MedGen C1864849, MONDO:0012507, OMIM 610478.

Allele frequency attached by ClinVar (database versions not stated): TOPMed 0.00033; 1000 Genomes Project 30x 0.00312; 1000 Genomes Project 0.00359.
gnomAD v4.1: 1,595 of 1,609,806 alleles (0.099%); highest among the groups gnomAD compares: South Asian, 1.4%; 31 homozygotes.

Submissions (3):

Labcorp Genetics (formerly Invitae), Labcorp
Classification: Benign. Last evaluated: 2026-01-11. Review status: criteria provided, single submitter. Criteria: Invitae Variant Classification Sherloc (09022015). Collection method: clinical testing. Allele origin: germline.

Illumina Laboratory Services, Illumina
Classification: Benign for Retinal cone dystrophy 4. Last evaluated: 2017-04-27. Review status: criteria provided, single submitter. Criteria: ICSL Variant Classification Criteria 13 December 2019. Collection method: clinical testing. Allele origin: germline.
Comment: This variant was observed as part of a predisposition screen in an ostensibly healthy population. A literature search was performed for the gene, cDNA change, and amino acid change (where applicable). Publications were found based on this search. The evidence from the literature, in combination with allele frequency data from public databases where available, was sufficient to rule this variant out of causing disease. Therefore, this variant is classified as benign.

PreventionGenetics, part of Exact Sciences
Classification: Benign for CACNA2D4-related condition. Last evaluated: 2019-06-18. Review status: no assertion criteria provided. Collection method: clinical testing. Allele origin: germline. Not counted in ClinVar's aggregate classification.
Comment: This variant is classified as benign based on ACMG/AMP sequence variant interpretation guidelines (Richards et al. 2015 PMID: 25741868, with internal and published modifications).

Literature cited by the submitters: PubMed 26002053 (cited by Illumina Laboratory Services, Illumina).